The following is an entry in ClinVar:

ClinVar aggregate classification (germline): Uncertain significance (1 of 4 stars; one submission).

Conditions:
Neuropathy, hereditary sensory, type 2C. Also called: Hereditary sensory and autonomic neuropathy type IIC; KIF1A-Related HSAN2 (HSAN2C). Identifiers: Orphanet 970, MedGen C3280168, MONDO:0013634, OMIM 614213.
Intellectual disability, autosomal dominant 9 (NESCAVS). Also called: NESCAV SYNDROME; KIF1A-Related Neurodevelopmental Disorder. Identifiers: Orphanet 662367, MedGen C5393830, MONDO:0013656, OMIM 614255.
Hereditary spastic paraplegia 30. Identifiers: Orphanet 101010, MedGen C5235139, MONDO:0012476.

Submission:

Labcorp Genetics (formerly Invitae), Labcorp
Classification: Uncertain significance for Hereditary spastic paraplegia 30; Neuropathy, hereditary sensory, type 2C; Intellectual disability, autosomal dominant 9. Last evaluated: 2025-10-13. Review status: criteria provided, single submitter. Criteria: Invitae Variant Classification Sherloc (09022015). Collection method: clinical testing. Allele origin: germline.
Comment: This sequence change replaces asparagine, which is neutral and polar, with threonine, which is neutral and polar, at codon 1306 of the KIF1A protein (p.Asn1306Thr). This variant is not present in population databases (gnomAD no frequency). This variant has not been reported in the literature in individuals affected with KIF1A-related conditions. ClinVar contains an entry for this variant (Variation ID: 2093919). Invitae Evidence Modeling of protein sequence and biophysical properties (such as structural, functional, and spatial information, amino acid conservation, physicochemical variation, residue mobility, and thermodynamic stability) indicates that this missense variant is not expected to disrupt KIF1A protein function with a negative predictive value of 95%. In summary, the available evidence is currently insufficient to determine the role of this variant in disease. Therefore, it has been classified as a Variant of Uncertain Significance.

NM_001244008.2(KIF1A):c.4220A>C (p.Asn1407Thr)

Gene: KIF1A (kinesin family member 1A; minus strand). Cytogenetic location: 2q37.3.
Variant type: single nucleotide variant.
Coding change: c.4220A>C on transcript NM_001244008.2 (MANE Select); coding-DNA position 4220, A replaced by C.
Protein change: p.Asn1407Thr; replaces asparagine 1407 with threonine.
Molecular consequence: missense variant.
Genome position (GRCh38, 1-based): chr2:240,725,307, T>G on the plus strand (A>C on the coding strand, the complement: KIF1A is on the minus strand). VCF-style: chr2-240725307-T-G. GRCh37 (hg19) VCF-style: chr2-241664724-T-G.
Other names: c.3944A>C, p.Asn1315Thr (NM_001320705.2, NM_001379649.1); c.3971A>C, p.Asn1324Thr (NM_001330289.2); c.4019A>C, p.Asn1340Thr (NM_001330290.2, NM_001379648.1); c.4295A>C, p.Asn1432Thr (NM_001379631.1); c.4196A>C, p.Asn1399Thr (NM_001379632.1); c.4193A>C, p.Asn1398Thr (NM_001379633.1, NM_001379645.1); c.4046A>C, p.Asn1349Thr (NM_001379634.1); c.4043A>C, p.Asn1348Thr (NM_001379635.1, NM_001379646.1); and 7 more; short protein forms N1324T, N1323T, N1331T, N1349T, N1399T, N1306T, N1340T, N1344T.
Identifiers: ClinVar variation 2093919 (VCV002093919.4), dbSNP rs2536775007, ClinGen allele CA351306970.
Genomic context (GRCh38, chr2:240,725,307, plus strand): 5'-TGGTCCTCACCCCTGGGAGCTTACCTCTCTGAGGCCCGAAGGCTCCCACTGCCAAAGAGG[T>G]TGCGGATGGAGCGCGAGGCTGGCAGCTTGGCATCACGGGAATAGAAGACCATGCAGAAGT-3'
Protein context (NP_001230937.1, residues 1397-1417): AKLPASRSIR[Asn1407Thr]LFGSGSLRAS